The following is an entry in ClinVar:

NM_001009944.3(PKD1):c.10970C>T (p.Ala3657Val)

Genes: PKD1 (polycystin 1, transient receptor potential channel interacting; minus strand), PKD1-AS1 (PKD1 antisense RNA 1; plus strand). Cytogenetic location: 16p13.3.
Variant type: single nucleotide variant.
Coding change: c.10970C>T on transcript NM_001009944.3 (MANE Select); coding-DNA position 10970, C replaced by T.
Protein change: p.Ala3657Val; replaces alanine 3657 with valine.
Molecular consequence: missense variant.
Genome position (GRCh38, 1-based): chr16:2,093,590, G>A on the plus strand (C>T on the coding strand, the complement: PKD1 is on the minus strand). VCF-style: chr16-2093590-G-A. GRCh37 (hg19) VCF-style: chr16-2143591-G-A.
Other names: p.Ala3657Val; c.10967C>T, p.Ala3656Val (NM_000296.4); short protein forms A3657V, A3656V.
Identifiers: ClinVar variation 3891969 (VCV003891969.2).

ClinVar aggregate classification (germline): Uncertain significance. Review status: criteria provided, multiple submitters, no conflicts (2 of 4 stars). 2 submissions from 2 submitters: Uncertain significance (2). Last evaluated 2025-08-06.

Conditions:
Polycystic kidney disease, adult type (PKD1). Also called: POLYCYSTIC KIDNEY DISEASE 1 WITH OR WITHOUT POLYCYSTIC LIVER DISEASE; POLYCYSTIC KIDNEY DISEASE, ADULT, TYPE I; Polycystic Kidney Disease 1, Autosomal Dominant; Polycystic kidney disease 1; Polycystic kidney disease 1, severe; Polycystic Kidney, Autosomal Dominant. Identifiers: MedGen C3149841, MONDO:0008263, OMIM 173900.

Submissions (2):

Mayo Clinic Laboratories, Mayo Clinic
Classification: Uncertain significance. Last evaluated: 2025-08-06. Review status: criteria provided, single submitter. Criteria: ACMG Guidelines, 2015. Collection method: clinical testing. Allele origin: germline. Observed: 1 variant allele.
Comment: BP4, PM1, PM2_supporting

Department of Pathology and Laboratory Medicine, Sinai Health System
Classification: Uncertain significance for Polycystic kidney disease, adult type. Last evaluated: 2024-10-23. Review status: criteria provided, single submitter. Criteria: ACMG Guidelines, 2015. Collection method: clinical testing. Allele origin: germline.

Literature cited by the submitters: PubMed 22508176 (cited by Mayo Clinic Laboratories, Mayo Clinic); PubMed 26453610 (cited by Mayo Clinic Laboratories, Mayo Clinic).